The following is an entry in ClinVar:

ClinVar aggregate classification (germline): Conflicting classifications of pathogenicity. Review status: criteria provided, conflicting classifications (1 of 4 stars). 2 submissions from 2 submitters: Uncertain significance (1); Likely benign (1). Last evaluated 2025-11-24.

Conditions:
Cardiovascular phenotype. Identifiers: MedGen CN230736.
Long QT syndrome (LQTS). Identifiers: MedGen C0023976, MeSH D008133, MONDO:0002442. Disease mechanism: loss of function. Inheritance: Various modes of inheritance.

Allele frequency attached by ClinVar (database versions not stated): gnomAD 0.00003 and 0.00004; ExAC 0.00005.
gnomAD v4.1: 26 of 1,613,814 alleles (0.0016%); highest among the groups gnomAD compares: East Asian, 0.056%; no homozygotes.

Submissions (2):

Labcorp Genetics (formerly Invitae), Labcorp
Classification: Uncertain significance for Long QT syndrome. Last evaluated: 2025-11-24. Review status: criteria provided, single submitter. Criteria: Invitae Variant Classification Sherloc (09022015). Collection method: clinical testing. Allele origin: germline.
Comment: This sequence change replaces aspartic acid, which is acidic and polar, with valine, which is neutral and non-polar, at codon 2269 of the AKAP9 protein (p.Asp2269Val). This variant is present in population databases (rs765553799, gnomAD 0.07%), and has an allele count higher than expected for a pathogenic variant. This variant has not been reported in the literature in individuals affected with AKAP9-related conditions. ClinVar contains an entry for this variant (Variation ID: 1053607). An algorithm developed to predict the effect of missense changes on protein structure and function (PolyPhen-2) suggests that this variant is likely to be disruptive. In summary, the available evidence is currently insufficient to determine the role of this variant in disease. Therefore, it has been classified as a Variant of Uncertain Significance.

Ambry Genetics
Classification: Likely benign for Cardiovascular phenotype. Last evaluated: 2025-05-05. Review status: criteria provided, single submitter. Criteria: Ambry Variant Classification Scheme 2023. Collection method: clinical testing. Allele origin: germline.

NM_005751.5(AKAP9):c.6806A>T (p.Asp2269Val)

Gene: AKAP9 (A-kinase anchoring protein 9; plus strand). Cytogenetic location: 7q21.2.
Variant type: single nucleotide variant.
Coding change: c.6806A>T on transcript NM_005751.5 (MANE Select); coding-DNA position 6806, A replaced by T.
Protein change: p.Asp2269Val; replaces aspartic acid 2269 with valine.
Molecular consequence: missense variant.
Genome position (GRCh38, 1-based): chr7:92,077,736, A>T. VCF-style: chr7-92077736-A-T. GRCh37 (hg19) VCF-style: chr7-91707050-A-T.
Other names: c.1451A>T, p.Asp484Val (NM_001379277.1); c.6782A>T, p.Asp2261Val (NM_147185.3); short protein forms D2261V, D2269V, D484V.
Identifiers: ClinVar variation 1053607 (VCV001053607.12), dbSNP rs765553799, ClinGen allele CA4337178.